The following is an entry in ClinVar:

NM_020949.3(SLC7A14):c.1187C>T (p.Ala396Val)

Genes: SLC7A14 (solute carrier family 7 member 14; minus strand), SLC7A14-AS1 (SLC7A14 antisense RNA 1; plus strand). Cytogenetic location: 3q26.2.
Variant type: single nucleotide variant.
Coding change: c.1187C>T on transcript NM_020949.3 (MANE Select); coding-DNA position 1187, C replaced by T.
Protein change: p.Ala396Val; replaces alanine 396 with valine.
Molecular consequence: missense variant.
Genome position (GRCh38, 1-based): chr3:170,481,095, G>A on the plus strand (C>T on the coding strand, the complement: SLC7A14 is on the minus strand). VCF-style: chr3-170481095-G-A. GRCh37 (hg19) VCF-style: chr3-170198884-G-A.
Other names: short protein forms A396V.
Identifiers: ClinVar variation 1501444 (VCV001501444.6), dbSNP rs764614187, ClinGen allele CA2701674.

ClinVar aggregate classification (germline): Uncertain significance (1 of 4 stars; one submission).

Allele frequency attached by ClinVar (database versions not stated): gnomAD 0.00001; gnomAD exomes 0.00001 and 0.00003; ExAC 0.00002; TOPMed 0.00002.
gnomAD v4.1: 17 of 1,613,952 alleles (0.0011%); highest among the groups gnomAD compares: Middle Eastern, 0.016%; no homozygotes.

Submission:

Labcorp Genetics (formerly Invitae), Labcorp
Classification: Uncertain significance. Last evaluated: 2022-12-26. Review status: criteria provided, single submitter. Criteria: Invitae Variant Classification Sherloc (09022015). Collection method: clinical testing. Allele origin: germline.
Comment: In summary, the available evidence is currently insufficient to determine the role of this variant in disease. Therefore, it has been classified as a Variant of Uncertain Significance. Algorithms developed to predict the effect of missense changes on protein structure and function are either unavailable or do not agree on the potential impact of this missense change (SIFT: "Tolerated"; PolyPhen-2: "Probably Damaging"; Align-GVGD: "Class C0"). ClinVar contains an entry for this variant (Variation ID: 1501444). This variant has not been reported in the literature in individuals affected with SLC7A14-related conditions. This variant is present in population databases (rs764614187, gnomAD 0.01%). This sequence change replaces alanine, which is neutral and non-polar, with valine, which is neutral and non-polar, at codon 396 of the SLC7A14 protein (p.Ala396Val).